The following is an entry in ClinVar:

NM_005245.4(FAT1):c.4288G>A (p.Glu1430Lys)

Gene: FAT1 (FAT atypical cadherin 1; minus strand). Cytogenetic location: 4q35.2.
Variant type: single nucleotide variant.
Coding change: c.4288G>A on transcript NM_005245.4 (MANE Select); coding-DNA position 4288, G replaced by A.
Protein change: p.Glu1430Lys; replaces glutamic acid 1430 with lysine.
Molecular consequence: missense variant.
Genome position (GRCh38, 1-based): chr4:186,633,719, C>T on the plus strand (G>A on the coding strand, the complement: FAT1 is on the minus strand). VCF-style: chr4-186633719-C-T. GRCh37 (hg19) VCF-style: chr4-187554873-C-T.
Other names: c.4288G>A (NM_005245.3); short protein forms E1430K.
Identifiers: ClinVar variation 1428477 (VCV001428477.6), dbSNP rs1014814755, ClinGen allele CA112164478.
Genomic context (GRCh38, chr4:186,633,719, plus strand): 5'-AGTGTGTCATTAGTAATTCACTTACCTGAGTGAGGATAGTGGTGGTTCCATCTGTAGCCT[C>T]GACTGTGAGGTTGTAGTTTGACTTCTGTTCTGCATCAAGAGGTTTGGCAACAATGATGGT-3'
Protein context (NP_005236.2, residues 1420-1440): EQKSNYNLTV[Glu1430Lys]ATDGTTTILT

ClinVar aggregate classification (germline): Uncertain significance. Review status: criteria provided, multiple submitters, no conflicts (2 of 4 stars). 2 submissions from 2 submitters: Uncertain significance (2). Last evaluated 2025-12-24.

Conditions:
FAT1-related disorder. Also called: FAT1-related condition.

Allele frequency attached by ClinVar (database versions not stated): TOPMed 0.00001.
gnomAD v4.1: 18 of 1,613,852 alleles (0.0011%); highest among the groups gnomAD compares: Non-Finnish European, 0.0014%; no homozygotes.

Submissions (2):

PreventionGenetics, part of Exact Sciences
Classification: Uncertain significance for FAT1-related condition. Last evaluated: 2025-12-24. Review status: criteria provided, single submitter. Criteria: ACMG Guidelines, 2015. Collection method: clinical testing. Allele origin: germline.
Comment: The FAT1 c.4288G>A variant is predicted to result in the amino acid substitution p.Glu1430Lys. To our knowledge, this variant has not been reported in the literature or in a large population database (gnomAD), indicating this variant is rare. At this time, the clinical significance of this variant is uncertain due to the absence of conclusive functional and genetic evidence.

Labcorp Genetics (formerly Invitae), Labcorp
Classification: Uncertain significance. Last evaluated: 2022-02-24. Review status: criteria provided, single submitter. Criteria: Invitae Variant Classification Sherloc (09022015). Collection method: clinical testing. Allele origin: germline.
Comment: This sequence change replaces glutamic acid, which is acidic and polar, with lysine, which is basic and polar, at codon 1430 of the FAT1 protein (p.Glu1430Lys). This variant is not present in population databases (gnomAD no frequency). This variant has not been reported in the literature in individuals affected with FAT1-related conditions. Algorithms developed to predict the effect of missense changes on protein structure and function are either unavailable or do not agree on the potential impact of this missense change (SIFT: "Deleterious"; PolyPhen-2: "Possibly Damaging"; Align-GVGD: "Class C0"). In summary, the available evidence is currently insufficient to determine the role of this variant in disease. Therefore, it has been classified as a Variant of Uncertain Significance.